The following is an entry in ClinVar:

ClinVar aggregate classification (germline): Pathogenic (1 of 4 stars; one submission).

Conditions:
Meckel-Gruber syndrome. Also called: DYSENCEPHALIA SPLANCHNOCYSTICA; GRUBER SYNDROME; Dysencephalia splachnocystica. Identifiers: Orphanet 564, MedGen C0265215, MONDO:0018921.
Joubert syndrome. Also called: CEREBELLOPARENCHYMAL DISORDER IV; JOUBERT-BOLTSHAUSER SYNDROME; Familial aplasia of the vermis. Identifiers: Orphanet 475, MedGen C5979921, MONDO:0018772.

Submission:

Labcorp Genetics (formerly Invitae), Labcorp
Classification: Pathogenic for Joubert syndrome; Meckel-Gruber syndrome. Last evaluated: 2022-10-17. Review status: criteria provided, single submitter. Criteria: Invitae Variant Classification Sherloc (09022015). Collection method: clinical testing. Allele origin: germline.
Comment: This variant is a gross deletion of the genomic region encompassing exon(s) 7-14 of the RPGRIP1L gene. This deletion is out-of-frame, and is expected to create a premature termination codon and result in an absent or disrupted protein product. Loss-of-function variants in RPGRIP1L are known to be pathogenic (PMID: 17558409). For these reasons, this variant has been classified as Pathogenic. This variant has not been reported in the literature in individuals affected with RPGRIP1L-related conditions.

Literature cited by the submitters: PubMed 17558409.

NC_000016.9:g.(?_53690364)_(53709054_?)del

Gene: RPGRIP1L (RPGRIP1 like; minus strand). Cytogenetic location: 16q12.2.
Variant type: Deletion.
Identifiers: ClinVar variation 1460439 (VCV001460439.9).